The following is an entry in ClinVar:

ClinVar aggregate classification (germline): Uncertain significance (1 of 4 stars; one submission).

Allele frequency attached by ClinVar (database versions not stated): gnomAD exomes below 0.00001.
gnomAD v4.1: 1 of 1,614,148 alleles (0.000062%); highest among the groups gnomAD compares: Non-Finnish European, 0.000085%; no homozygotes.

Submission:

GeneDx
Classification: Uncertain significance. Last evaluated: 2022-12-22. Review status: criteria provided, single submitter. Criteria: GeneDx Variant Classification Process June 2021. Collection method: clinical testing. Allele origin: germline. Affected: yes.
Comment: Not observed at significant frequency in large population cohorts (gnomAD); In silico analysis supports that this missense variant has a deleterious effect on protein structure/function; Has not been previously published as pathogenic or benign to our knowledge

NM_182641.4(BPTF):c.4912C>T (p.Pro1638Ser)

Gene: BPTF (bromodomain PHD finger transcription factor; plus strand). Cytogenetic location: 17q24.2.
Variant type: single nucleotide variant.
Coding change: c.4912C>T on transcript NM_182641.4 (MANE Select); coding-DNA position 4912, C replaced by T.
Protein change: p.Pro1638Ser; replaces proline 1638 with serine.
Molecular consequence: missense variant.
Genome position (GRCh38, 1-based): chr17:67,912,796, C>T. VCF-style: chr17-67912796-C-T. GRCh37 (hg19) VCF-style: chr17-65908912-C-T.
Other names: c.5290C>T, p.Pro1764Ser (NM_004459.7); short protein forms P1638S, P1764S.
Identifiers: ClinVar variation 2506693 (VCV002506693.1), dbSNP rs2062738085, ClinGen allele CA400731309.